The following is an entry in ClinVar:

ClinVar aggregate classification (germline): Uncertain significance (1 of 4 stars; one submission).

Submission:

Labcorp Genetics (formerly Invitae), Labcorp
Classification: Uncertain significance. Last evaluated: 2025-05-18. Review status: criteria provided, single submitter. Criteria: Invitae Variant Classification Sherloc (09022015). Collection method: clinical testing. Allele origin: germline.
Comment: This sequence change replaces leucine, which is neutral and non-polar, with glutamine, which is neutral and polar, at codon 696 of the SIX5 protein (p.Leu696Gln). This variant is not present in population databases (gnomAD no frequency). This variant has not been reported in the literature in individuals affected with SIX5-related conditions. An algorithm developed to predict the effect of missense changes on protein structure and function (PolyPhen-2) suggests that this variant is likely to be disruptive. In summary, the available evidence is currently insufficient to determine the role of this variant in disease. Therefore, it has been classified as a Variant of Uncertain Significance.

NM_175875.5(SIX5):c.2087T>A (p.Leu696Gln)

Gene: SIX5 (SIX homeobox 5; minus strand). Cytogenetic location: 19q13.32.
Variant type: single nucleotide variant.
Coding change: c.2087T>A on transcript NM_175875.5 (MANE Select); coding-DNA position 2087, T replaced by A.
Protein change: p.Leu696Gln; replaces leucine 696 with glutamine.
Molecular consequence: missense variant.
Genome position (GRCh38, 1-based): chr19:45,765,634, A>T on the plus strand (T>A on the coding strand, the complement: SIX5 is on the minus strand). VCF-style: chr19-45765634-A-T. GRCh37 (hg19) VCF-style: chr19-46268892-A-T.
Other names: short protein forms L696Q.
Identifiers: ClinVar variation 4700040 (VCV004700040.1).
Genomic context (GRCh38, chr19:45,765,634, plus strand): 5'-TCGTCAACCTCACCCCCTGCGGTGGCCCCCAGGAGCAGCCCCTCAGGGTCGGGGTCTGGC[A>T]GCCTCAGCACGGTGTGGGGGGCCTGTGTCCCCAGCCCCTTTTCCGCTTCCAGCAGCCCCT-3'
Protein context (NP_787071.3, residues 686-706): GTQAPHTVLR[Leu696Gln]PDPDPEGLLL